The following is an entry in ClinVar:

ClinVar aggregate classification (germline): Uncertain significance. Review status: criteria provided, multiple submitters, no conflicts (2 of 4 stars). 3 submissions from 3 submitters: Uncertain significance (3). Last evaluated 2024-05-21.

Conditions:
Catecholaminergic polymorphic ventricular tachycardia (CVPT). Also called: Catecholamine-induced polymorphic ventricular tachycardia. Identifiers: Orphanet 3286, MedGen C5574922, MONDO:0017990.
Cardiomyopathy (CMYO). Also called: Cardiomyopathies. Identifiers: Orphanet 167848, MedGen C0878544, MONDO:0004994, HP:0001638. Inheritance: Various modes of inheritance.
Catecholaminergic polymorphic ventricular tachycardia 1. Also called: VENTRICULAR TACHYCARDIA, CATECHOLAMINERGIC POLYMORPHIC, 1, WITH OR WITHOUT ATRIAL DYSFUNCTION AND/OR DILATED CARDIOMYOPATHY; RYR2-Related Catecholaminergic Polymorphic Ventricular Tachycardia; VENTRICULAR TACHYCARDIA, STRESS-INDUCED POLYMORPHIC 1. Identifiers: Orphanet 3286, MedGen C1631597, MONDO:0011484, OMIM 604772.

Allele frequency attached by ClinVar (database versions not stated): TOPMed below 0.00001; gnomAD 0.00001.
gnomAD v4.1: 25 of 1,563,404 alleles (0.0016%); highest among the groups gnomAD compares: Middle Eastern, 0.017%; no homozygotes.

Submissions (3):

Labcorp Genetics (formerly Invitae), Labcorp
Classification: Uncertain significance for Catecholaminergic polymorphic ventricular tachycardia 1. Last evaluated: 2024-05-21. Review status: criteria provided, single submitter. Criteria: Invitae Variant Classification Sherloc (09022015). Collection method: clinical testing. Allele origin: germline.
Comment: This sequence change replaces serine, which is neutral and polar, with phenylalanine, which is neutral and non-polar, at codon 1280 of the RYR2 protein (p.Ser1280Phe). This variant is present in population databases (rs759424061, gnomAD 0.004%). This variant has not been reported in the literature in individuals affected with RYR2-related conditions. ClinVar contains an entry for this variant (Variation ID: 925399). Advanced modeling of protein sequence and biophysical properties (such as structural, functional, and spatial information, amino acid conservation, physicochemical variation, residue mobility, and thermodynamic stability) performed at Invitae indicates that this missense variant is not expected to disrupt RYR2 protein function with a negative predictive value of 95%. In summary, the available evidence is currently insufficient to determine the role of this variant in disease. Therefore, it has been classified as a Variant of Uncertain Significance.

Color Diagnostics, LLC DBA Color Health
Classification: Uncertain significance for Cardiomyopathy. Last evaluated: 2024-03-06. Review status: criteria provided, single submitter. Criteria: ACMG Guidelines, 2015. Collection method: clinical testing. Allele origin: germline.
Comment: This missense variant replaces serine with phenylalanine at codon 1280 of the RYR2 protein. Computational prediction suggests that this variant may not impact protein structure and function (internally defined REVEL score threshold <= 0.5, PMID: 27666373). To our knowledge, functional studies have not been reported for this variant. This variant has not been reported in individuals affected with RYR2-related disorders in the literature. This variant has been identified in 4/244186 chromosomes in the general population by the Genome Aggregation Database (gnomAD). The available evidence is insufficient to determine the role of this variant in disease conclusively. Therefore, this variant is classified as a Variant of Uncertain Significance.

All of Us Research Program, National Institutes of Health
Classification: Uncertain significance for Catecholaminergic polymorphic ventricular tachycardia. Last evaluated: 2023-10-02. Review status: criteria provided, single submitter. Criteria: ACMG Guidelines, 2015. Collection method: clinical testing. Allele origin: germline. Inheritance: Autosomal dominant inheritance. Observed: 1 variant allele, 1 heterozygote.
Comment: This missense variant replaces serine with phenylalanine at codon 1280 of the RYR2 protein. Computational prediction suggests that this variant may not impact protein structure and function (internally defined REVEL score threshold <= 0.5, PMID: 27666373). Splice site prediction tools suggest that this variant may not impact RNA splicing. To our knowledge, functional studies have not been performed for this variant. This variant has not been reported in individuals affected with cardiovascular disorders in the literature. This variant has been identified in 4/244186 chromosomes in the general population by the Genome Aggregation Database (gnomAD). The available evidence is insufficient to determine the role of this variant in disease conclusively. Therefore, this variant is classified as a Variant of Uncertain Significance.

This study involves interpretation of variants in research participants for the purpose of population health screening. Participant phenotype was not available at the time of variant classification. Additional details can be found in publication PMID: 35346344, PMCID: PMC8962531

NM_001035.3(RYR2):c.3839C>T (p.Ser1280Phe)

Genes: RYR2 (ryanodine receptor 2; plus strand), LOC126806067 (BRD4-independent group 4 enhancer GRCh37_chr1:237753258-237754457; plus strand). Cytogenetic location: 1q43.
Variant type: single nucleotide variant.
Coding change: c.3839C>T on transcript NM_001035.3 (MANE Select); coding-DNA position 3839, C replaced by T.
Protein change: p.Ser1280Phe; replaces serine 1280 with phenylalanine.
Molecular consequence: missense variant.
Genome position (GRCh38, 1-based): chr1:237,590,671, C>T. VCF-style: chr1-237590671-C-T. GRCh37 (hg19) VCF-style: chr1-237753971-C-T.
Other names: short protein forms S1280F.
Identifiers: ClinVar variation 925399 (VCV000925399.52), dbSNP rs759424061, ClinGen allele CA086471.